The following is an entry in ClinVar:

ClinVar aggregate classification (germline): Likely benign. Review status: criteria provided, single submitter (1 of 4 stars). 3 submissions from 1 submitter: Likely benign (3). Last evaluated 2018-01-13.

Conditions:
Leprechaunism syndrome. Also called: Donohue syndrome; LEPRECHAUNISM. Identifiers: Orphanet 508, MedGen C0265344, MONDO:0009517, OMIM 246200.
Rabson-Mendenhall syndrome. Also called: MENDENHALL SYNDROME; Pineal Hyperplasia, Insulin-Resistant Diabetes Mellitus, and Somatic Abnormalities; Pineal hyperplasia AND diabetes mellitus syndrome. Identifiers: Orphanet 769, MedGen C0271695, MONDO:0009874, OMIM 262190.
Insulin-resistant diabetes mellitus AND acanthosis nigricans. Also called: Insulin-resistance syndrome type A; INSULIN RECEPTOR, DEFECT IN, WITH INSULIN-RESISTANT DIABETES MELLITUS AND ACANTHOSIS NIGRICANS; IRAN, TYPE A; type A insulin resistance; DIABETES MELLITUS, INSULIN-RESISTANT, WITH ACANTHOSIS NIGRICANS, TYPE A. Identifiers: Orphanet 2297, MedGen C0342278, MONDO:0012520, OMIM 610549.

Allele frequency attached by ClinVar (database versions not stated): gnomAD 0.00033 and 0.00046; TOPMed 0.00066; 1000 Genomes Project 30x 0.00172; 1000 Genomes Project 0.00200.

Submissions (3):

Illumina Laboratory Services, Illumina
Classification: Likely benign for Leprechaunism syndrome. Last evaluated: 2018-01-13. Review status: criteria provided, single submitter. Criteria: ICSL Variant Classification Criteria 13 December 2019. Collection method: clinical testing. Allele origin: germline.
Comment: This variant was observed in the ICSL laboratory as part of a predisposition screen in an ostensibly healthy population. It had not been previously curated by ICSL or reported in the Human Gene Mutation Database (HGMD: prior to June 1st, 2018), and was therefore a candidate for classification through an automated scoring system. Utilizing variant allele frequency, disease prevalence and penetrance estimates, and inheritance mode, an automated score was calculated to assess if this variant is too frequent to cause the disease. Based on the score and internal cut-off values, a variant classified as likely benign is not then subjected to further curation. The score for this variant resulted in a classification of likely benign for this disease.

Illumina Laboratory Services, Illumina
Classification: Likely benign for Rabson-Mendenhall syndrome. Last evaluated: 2018-01-13. Review status: criteria provided, single submitter. Criteria: ICSL Variant Classification Criteria 13 December 2019. Collection method: clinical testing. Allele origin: germline.
Comment: the same text as in the submission from Illumina Laboratory Services, Illumina above.

Illumina Laboratory Services, Illumina
Classification: Likely benign for Insulin-resistant diabetes mellitus AND acanthosis nigricans. Last evaluated: 2018-01-13. Review status: criteria provided, single submitter. Criteria: ICSL Variant Classification Criteria 13 December 2019. Collection method: clinical testing. Allele origin: germline.
Comment: the same text as in the submission from Illumina Laboratory Services, Illumina above.

NM_000208.4(INSR):c.*1799C>T

Gene: INSR (insulin receptor; minus strand). Cytogenetic location: 19p13.2.
Variant type: single nucleotide variant.
Coding change: c.*1799C>T on transcript NM_000208.4 (MANE Select); 1799 bases downstream of the stop codon, C replaced by T.
Molecular consequence: 3 prime UTR variant.
Genome position (GRCh38, 1-based): chr19:7,115,257, G>A on the plus strand (C>T on the coding strand, the complement: INSR is on the minus strand). VCF-style: chr19-7115257-G-A. GRCh37 (hg19) VCF-style: chr19-7115268-G-A.
Other names: c.*1799C>T (NM_001079817.3).
Identifiers: ClinVar variation 330401 (VCV000330401.5), dbSNP rs147080388, ClinGen allele CA10643395.
Genomic context (GRCh38, chr19:7,115,257, plus strand): 5'-GTTGTAAGAAAATGCACTCAGGAATAACGCATGGGCGATGATTTTTTGATGAACCAAAGT[G>A]ATGAGTTCACTGTGTTCTTTGAGCAGCTGTGGTGGTTCTTTTTGCAAAGAGAAGAAACGG-3'